The following is an entry in ClinVar:

ClinVar aggregate classification (germline): Uncertain significance (1 of 4 stars; one submission).

Conditions:
CYP24A1-related disorder. Also called: CYP24A1-related condition.

gnomAD v4.1: 22 of 1,613,654 alleles (0.0014%); highest among the groups gnomAD compares: African/African-American, 0.0053%; no homozygotes.

Submission:

PreventionGenetics, part of Exact Sciences
Classification: Uncertain significance for CYP24A1-related condition. Last evaluated: 2025-02-05. Review status: criteria provided, single submitter. Criteria: ACMG Guidelines, 2015. Collection method: clinical testing. Allele origin: germline.
Comment: The CYP24A1 c.422G>T variant is predicted to result in the amino acid substitution p.Arg141Leu. To our knowledge, this variant has not been reported in the literature. This variant is reported in 0.0040% of alleles in individuals of African descent in gnomAD. At this time, the clinical significance of this variant is uncertain due to the absence of conclusive functional and genetic evidence.

NM_000782.5(CYP24A1):c.422G>T (p.Arg141Leu)

Gene: CYP24A1 (cytochrome P450 family 24 subfamily A member 1; minus strand). Cytogenetic location: 20q13.2.
Variant type: single nucleotide variant.
Coding change: c.422G>T on transcript NM_000782.5 (MANE Select); coding-DNA position 422, G replaced by T.
Protein change: p.Arg141Leu; replaces arginine 141 with leucine.
Molecular consequence: missense variant.
Genome position (GRCh38, 1-based): chr20:54,172,936, C>A on the plus strand (G>T on the coding strand, the complement: CYP24A1 is on the minus strand). VCF-style: chr20-54172936-C-A. GRCh37 (hg19) VCF-style: chr20-52789475-C-A.
Other names: c.422G>T, p.Arg141Leu (NM_001128915.2, NM_001424340.1, NM_001424341.1 and 2 more transcripts); short protein forms R141L.
Identifiers: ClinVar variation 4988372 (VCV004988372.1).